The following is an entry in ClinVar:

NM_000235.4(LIPA):c.406C>T (p.Gln136Ter)

Gene: LIPA (lipase A, lysosomal acid type; minus strand). Cytogenetic location: 10q23.31.
Variant type: single nucleotide variant.
Coding change: c.406C>T on transcript NM_000235.4 (MANE Select); coding-DNA position 406, C replaced by T.
Protein change: p.Gln136Ter; replaces glutamine 136 with a stop codon.
Molecular consequence: nonsense.
Genome position (GRCh38, 1-based): chr10:89,228,222, G>A on the plus strand (C>T on the coding strand, the complement: LIPA is on the minus strand). VCF-style: chr10-89228222-G-A. GRCh37 (hg19) VCF-style: chr10-90987979-G-A.
Other names: c.406C>T, p.Gln136Ter (NM_001127605.3); c.58C>T, p.Gln20Ter (NM_001288979.2); short protein forms Q20*, Q136*.
Identifiers: ClinVar variation 946870 (VCV000946870.9), dbSNP rs1842794747, ClinGen allele CA377517775.

ClinVar aggregate classification (germline): Pathogenic. Review status: criteria provided, multiple submitters, no conflicts (2 of 4 stars). 2 submissions from 2 submitters: Pathogenic (2). Last evaluated 2024-05-08.

Conditions:
Wolman disease (WOLD). Also called: LYSOSOMAL ACID LIPASE DEFICIENCY, ACUTE INFANTILE; LYSOSOMAL ACID LIPASE DEFICIENCY, COMPLETE; LIPA DEFICIENCY, COMPLETE; LAL DEFICIENCY, COMPLETE; CHOLESTEROL ESTER HYDROLASE DEFICIENCY, COMPLETE; Infantile-Onset LAL-D (Wolman Disease). Identifiers: Orphanet 75233, MedGen C0043208, MONDO:0019148, OMIM 620151.
Lysosomal acid lipase deficiency. Also called: Acid cholesteryl ester hydrolase deficiency, type 2. Identifiers: Orphanet 275761, MedGen C5574740, MONDO:0800449, MONDO:0010204.

Allele frequency attached by ClinVar (database versions not stated): gnomAD exomes below 0.00001.
gnomAD v4.1: 4 of 1,613,988 alleles (0.00025%); highest among the groups gnomAD compares: Non-Finnish European, 0.00034%; no homozygotes.

Submissions (2):

Myriad Genetics, Inc.
Classification: Pathogenic for Lysosomal acid lipase deficiency. Last evaluated: 2024-05-08. Review status: criteria provided, single submitter. Criteria: Myriad Autosomal Dominant, Autosomal Recessive and X-Linked Classification Criteria (2023). Collection method: clinical testing. Allele origin: unknown.
Comment: NM_000235.2(LIPA):c.406C>T(Q136*) is expected to be pathogenic in the context of lysosomal acid lipase deficiency. This variant is predicted to lead to an abnormal or absent protein product due to the creation of a premature termination codon in LIPA, a gene where loss-of-function variants are known to be pathogenic. Please note: this variant was assessed in the context of healthy population screening.

Labcorp Genetics (formerly Invitae), Labcorp
Classification: Pathogenic for Wolman disease. Last evaluated: 2022-03-02. Review status: criteria provided, single submitter. Criteria: Invitae Variant Classification Sherloc (09022015). Collection method: clinical testing. Allele origin: germline.
Comment: For these reasons, this variant has been classified as Pathogenic. ClinVar contains an entry for this variant (Variation ID: 946870). This variant has not been reported in the literature in individuals affected with LIPA-related conditions. This variant is not present in population databases (gnomAD no frequency). This sequence change creates a premature translational stop signal (p.Gln136*) in the LIPA gene. It is expected to result in an absent or disrupted protein product. Loss-of-function variants in LIPA are known to be pathogenic (PMID: 23485521).

Literature cited by the submitters: PubMed 23485521 (cited by Labcorp Genetics (formerly Invitae), Labcorp).